The following is an entry in ClinVar:

ClinVar aggregate classification (germline): Uncertain significance (1 of 4 stars; one submission).

Conditions:
Hereditary diffuse gastric adenocarcinoma (HDGC). Also called: DIFFUSE GASTRIC AND LOBULAR BREAST CANCER SYNDROME. Identifiers: Orphanet 26106, MedGen C1708349, MONDO:0007648, OMIM 137215.

Submission:

Labcorp Genetics (formerly Invitae), Labcorp
Classification: Uncertain significance for Hereditary diffuse gastric adenocarcinoma. Last evaluated: 2022-06-29. Review status: criteria provided, single submitter. Criteria: Invitae Variant Classification Sherloc (09022015). Collection method: clinical testing. Allele origin: germline.
Comment: This sequence change replaces asparagine, which is neutral and polar, with aspartic acid, which is acidic and polar, at codon 867 of the CDH1 protein (p.Asn867Asp). In summary, the available evidence is currently insufficient to determine the role of this variant in disease. Therefore, it has been classified as a Variant of Uncertain Significance. Algorithms developed to predict the effect of missense changes on protein structure and function are either unavailable or do not agree on the potential impact of this missense change (SIFT: "Tolerated"; PolyPhen-2: "Possibly Damaging"; Align-GVGD: "Class C0"). This variant has not been reported in the literature in individuals affected with CDH1-related conditions. This variant is not present in population databases (gnomAD no frequency).

NM_004360.5(CDH1):c.2599A>G (p.Asn867Asp)

Gene: CDH1 (cadherin 1; plus strand). Cytogenetic location: 16q22.1.
Variant type: single nucleotide variant.
Coding change: c.2599A>G on transcript NM_004360.5 (MANE Select); coding-DNA position 2599, A replaced by G.
Protein change: p.Asn867Asp; replaces asparagine 867 with aspartic acid.
Molecular consequence: missense variant.
Genome position (GRCh38, 1-based): chr16:68,833,449, A>G. VCF-style: chr16-68833449-A-G. GRCh37 (hg19) VCF-style: chr16-68867352-A-G.
Other names: c.2416A>G, p.Asn806Asp (NM_001317184.2); c.1051A>G, p.Asn351Asp (NM_001317185.2); c.634A>G, p.Asn212Asp (NM_001317186.2); short protein forms N867D, N212D, N806D, N351D.
Identifiers: ClinVar variation 2012028 (VCV002012028.4), dbSNP rs1596976659, ClinGen allele CA396472648.
Genomic context (GRCh38, chr16:68,833,449, plus strand): 5'-TCCCTGAACTCCTCAGAGTCAGACAAAGACCAGGACTATGACTACTTGAACGAATGGGGC[A>G]ATCGCTTCAAGAAGCTGGCTGACATGTACGGAGGCGGCGAGGACGACTAGGGGACTCGAG-3'
Protein context (NP_004351.1, residues 857-877): QDYDYLNEWG[Asn867Asp]RFKKLADMYG